The following is an entry in ClinVar:

NM_000038.6(APC):c.2013T>G (p.Ser671=)

Gene: APC (APC regulator of Wnt signaling pathway; plus strand). Cytogenetic location: 5q22.2.
Variant type: single nucleotide variant.
Coding change: c.2013T>G on transcript NM_000038.6 (MANE Select); coding-DNA position 2013, T replaced by G.
Protein change: p.Ser671=; no amino-acid change (serine 671 retained).
Molecular consequence: synonymous variant.
Genome position (GRCh38, 1-based): chr5:112,837,607, T>G. VCF-style: chr5-112837607-T-G. GRCh37 (hg19) VCF-style: chr5-112173304-T-G.
Other names: c.2013T>G, p.Ser671= (NM_001127510.3, NM_001354895.2); c.1959T>G, p.Ser653= (NM_001127511.3); c.2067T>G, p.Ser689= (NM_001354896.2); c.2043T>G, p.Ser681= (NM_001354897.2); c.1938T>G, p.Ser646= (NM_001354898.2); c.1929T>G, p.Ser643= (NM_001354899.2); c.1890T>G, p.Ser630= (NM_001354900.2); c.1836T>G, p.Ser612= (NM_001354901.2); and 5 more.
Identifiers: ClinVar variation 697715 (VCV000697715.18), dbSNP rs145356265, ClinGen allele CA030586.

ClinVar aggregate classification (germline): Benign/Likely benign. Review status: criteria provided, multiple submitters, no conflicts (2 of 4 stars). 6 submissions from 6 submitters: Benign (1); Likely benign (4). 1 of the submissions does not count toward it. Last evaluated 2025-04-18.

Conditions:
Hereditary cancer-predisposing syndrome. Also called: Hereditary Cancer Syndrome; Neoplastic Syndromes, Hereditary; Hereditary neoplastic syndrome; Tumor predisposition. Identifiers: Orphanet 140162, MedGen C0027672, MeSH D009386, MONDO:0015356.
Classic or attenuated familial adenomatous polyposis. Identifiers: MedGen CN372698, MONDO:0021057.
Familial adenomatous polyposis 1 (FAP1). Also called: FAMILIAL ADENOMATOUS POLYPOSIS 1, ATTENUATED; POLYPOSIS, ADENOMATOUS INTESTINAL. Identifiers: MedGen C2713442, MONDO:0021056, OMIM 175100. Disease mechanism: loss of function.
APC-related disorder. Also called: APC-related condition.

Allele frequency attached by ClinVar (database versions not stated): gnomAD exomes below 0.00001 and 0.00001; ExAC 0.00001; gnomAD 0.00001; TOPMed 0.00002; ESP Exome Variant Server 0.00015.

Submissions (6):

Labcorp Genetics (formerly Invitae), Labcorp
Classification: Likely benign for Familial adenomatous polyposis 1. Last evaluated: 2025-04-18. Review status: criteria provided, single submitter. Criteria: Invitae Variant Classification Sherloc (09022015). Collection method: clinical testing. Allele origin: germline.

Myriad Genetics, Inc.
Classification: Benign for Familial adenomatous polyposis 1. Last evaluated: 2024-03-08. Review status: criteria provided, single submitter. Criteria: Myriad Autosomal Dominant, Autosomal Recessive and X-Linked Classification Criteria (2023). Collection method: clinical testing. Allele origin: unknown.
Comment: This variant is considered benign. This variant is a silent/synonymous amino acid change and it is not expected to impact splicing.

All of Us Research Program, National Institutes of Health
Classification: Likely benign for Classic or attenuated familial adenomatous polyposis. Last evaluated: 2023-08-15. Review status: criteria provided, single submitter. Criteria: ACMG Guidelines, 2015. Collection method: clinical testing. Allele origin: germline. Inheritance: Autosomal dominant inheritance. Observed: 1 variant allele, 1 heterozygote.
Comment: This study involves interpretation of variants in research participants for the purpose of population health screening. Participant phenotype was not available at the time of variant classification. Additional details can be found in publication PMID: 35346344, PMCID: PMC8962531

Color Diagnostics, LLC DBA Color Health
Classification: Likely benign for Hereditary cancer-predisposing syndrome. Last evaluated: 2022-11-06. Review status: criteria provided, single submitter. Criteria: ACMG Guidelines, 2015. Collection method: clinical testing. Allele origin: germline.

Ambry Genetics
Classification: Likely benign for Hereditary cancer-predisposing syndrome. Last evaluated: 2019-03-31. Review status: criteria provided, single submitter. Criteria: Ambry Variant Classification Scheme 2023. Collection method: clinical testing. Allele origin: germline.

PreventionGenetics, part of Exact Sciences
Classification: Likely benign for APC-related condition. Last evaluated: 2020-01-03. Review status: no assertion criteria provided. Collection method: clinical testing. Allele origin: germline. Not counted in ClinVar's aggregate classification.
Comment: This variant is classified as likely benign based on ACMG/AMP sequence variant interpretation guidelines (Richards et al. 2015 PMID: 25741868, with internal and published modifications).